The following is an entry in ClinVar:

ClinVar aggregate classification (germline): Conflicting classifications of pathogenicity. Review status: criteria provided, conflicting classifications (1 of 4 stars). 2 submissions from 2 submitters: Uncertain significance (1); Benign (1). Last evaluated 2026-01-27.

Allele frequency attached by ClinVar (database versions not stated): gnomAD exomes 0.00051; ExAC 0.00109; ESP Exome Variant Server 0.00298; 1000 Genomes Project 0.00300; 1000 Genomes Project 30x 0.00344; gnomAD 0.00377 and 0.00413; TOPMed 0.00402.
gnomAD v4.1: 1,045 of 1,563,670 alleles (0.067%); highest among the groups gnomAD compares: African/African-American, 1.3%; 14 homozygotes.

Submissions (2):

Labcorp Genetics (formerly Invitae), Labcorp
Classification: Benign. Last evaluated: 2026-01-27. Review status: criteria provided, single submitter. Criteria: Invitae Variant Classification Sherloc (09022015). Collection method: clinical testing. Allele origin: germline.

Mayo Clinic Laboratories, Mayo Clinic
Classification: Uncertain significance. Last evaluated: 2023-06-13. Review status: criteria provided, single submitter. Criteria: ACMG Guidelines, 2015. Collection method: clinical testing. Allele origin: germline. Observed: 1 variant allele.
Comment: BS1, PP3

NM_000490.5(AVP):c.230A>T (p.Glu77Val)

Gene: AVP (arginine vasopressin; minus strand). Cytogenetic location: 20p13.
Variant type: single nucleotide variant.
Coding change: c.230A>T on transcript NM_000490.5 (MANE Select); coding-DNA position 230, A replaced by T.
Protein change: p.Glu77Val; replaces glutamic acid 77 with valine.
Molecular consequence: missense variant.
Genome position (GRCh38, 1-based): chr20:3,083,069, T>A on the plus strand (A>T on the coding strand, the complement: AVP is on the minus strand). VCF-style: chr20-3083069-T-A. GRCh37 (hg19) VCF-style: chr20-3063715-T-A.
Other names: p.Glu77Val; short protein forms E77V.
Identifiers: ClinVar variation 715748 (VCV000715748.10), dbSNP rs193002694, ClinGen allele CA9739454.
Genomic context (GRCh38, chr20:3,083,069, plus strand): 5'-CGGCCCCCGCTCCCGCACGCCTTCTGGCCGGACTGGCAGGGCGACGGCAGGTAGTTCTCC[T>A]CCTGGCAGCGCAGCGCCTCAGCCGTGCCCACGAAGCAGCCCAGCTCGTCCGCGCAGCAGA-3'
Protein context (NP_000481.2, residues 67-87): VGTAEALRCQ[Glu77Val]ENYLPSPCQS